The following is an entry in ClinVar:

NC_000021.8:g.(?_35821543)_(35821932_?)del

Gene: KCNE1 (potassium voltage-gated channel subfamily E regulatory subunit 1; minus strand). Cytogenetic location: 21q22.12.
Variant type: Deletion.
Identifiers: ClinVar variation 1431647 (VCV001431647.5).

ClinVar aggregate classification (germline): Pathogenic (1 of 4 stars; one submission).

Conditions:
Long QT syndrome (LQTS). Identifiers: MedGen C0023976, MeSH D008133, MONDO:0002442. Disease mechanism: loss of function. Inheritance: Various modes of inheritance.

Submission:

Labcorp Genetics (formerly Invitae), Labcorp
Classification: Pathogenic for Long QT syndrome. Last evaluated: 2022-04-28. Review status: criteria provided, single submitter. Criteria: Invitae Variant Classification Sherloc (09022015). Collection method: clinical testing. Allele origin: germline.
Comment: For these reasons, this variant has been classified as Pathogenic. A gross deletion of the genomic region encompassing the full coding sequence of the KCNE1 gene has been identified. Loss-of-function variants in KCNE1 are known to be pathogenic (PMID: 19862833). The boundaries of this event are unknown as they extend beyond the assayed region for this gene and therefore may encompass additional genes. A similar copy number variant has been observed in individual(s) with long QT syndrome (PMID: 31941373).

Literature cited by the submitters: PubMed 19862833; PubMed 31941373.